The following is an entry in ClinVar:

NM_006031.6(PCNT):c.9135G>A (p.Val3045=)

Gene: PCNT (pericentrin; plus strand). Cytogenetic location: 21q22.3.
Variant type: single nucleotide variant.
Coding change: c.9135G>A on transcript NM_006031.6 (MANE Select); coding-DNA position 9135, G replaced by A.
Protein change: p.Val3045=; no amino-acid change (valine 3045 retained).
Molecular consequence: synonymous variant.
Genome position (GRCh38, 1-based): chr21:46,438,199, G>A. VCF-style: chr21-46438199-G-A. GRCh37 (hg19) VCF-style: chr21-47858112-G-A.
Other names: c.8544G>A, p.Val2848= (NM_001315529.2); c.9135G>A (NM_006031.5).
Identifiers: ClinVar variation 2903476 (VCV002903476.5), dbSNP rs767349076, ClinGen allele CA10081222.

ClinVar aggregate classification (germline): Likely benign. Review status: criteria provided, multiple submitters, no conflicts (2 of 4 stars). 3 submissions from 3 submitters: Likely benign (3). Last evaluated 2025-11-25.

Conditions:
PCNT-related disorder. Also called: PCNT-related condition.

Allele frequency attached by ClinVar (database versions not stated): gnomAD exomes 0.00001; ExAC 0.00002.
gnomAD v4.1: 13 of 1,614,156 alleles (0.00081%); highest among the groups gnomAD compares: South Asian, 0.013%; no homozygotes.

Submissions (3):

Labcorp Genetics (formerly Invitae), Labcorp
Classification: Likely benign. Last evaluated: 2025-11-25. Review status: criteria provided, single submitter. Criteria: Invitae Variant Classification Sherloc (09022015). Collection method: clinical testing. Allele origin: germline.

PreventionGenetics, part of Exact Sciences
Classification: Likely benign for PCNT-related condition. Last evaluated: 2025-07-09. Review status: criteria provided, single submitter. Criteria: ACMG Guidelines, 2015. Collection method: clinical testing. Allele origin: germline.
Comment: This variant is classified as likely benign based on ACMG/AMP sequence variant interpretation guidelines (Richards et al. 2015 PMID: 25741868, with internal and published modifications).

Blueprint Genetics
Classification: Likely benign. Last evaluated: 2024-09-06. Review status: criteria provided, single submitter. Criteria: ACMG Guidelines, 2015. Collection method: clinical testing. Allele origin: germline.